The following is an entry in ClinVar:

NC_000017.10:g.(?_66347696)_(66347847_?)del

Gene: ARSG (arylsulfatase G; plus strand). Cytogenetic location: 17q24.2.
Variant type: Deletion.
Identifiers: ClinVar variation 3243184 (VCV003243184.1).

ClinVar aggregate classification (germline): Pathogenic (1 of 4 stars; one submission).

Submission:

Labcorp Genetics (formerly Invitae), Labcorp
Classification: Pathogenic. Last evaluated: 2023-10-16. Review status: criteria provided, single submitter. Criteria: Invitae Variant Classification Sherloc (09022015). Collection method: clinical testing. Allele origin: unknown.
Comment: This variant is a gross deletion of the genomic region encompassing exon(s) 5 of the ARSG gene. This deletion is out-of-frame, and is expected to create a premature termination codon and result in an absent or disrupted protein product. Loss-of-function variants in ARSG are known to be pathogenic (PMID: 26975023, 34223797). This variant has not been reported in the literature in individuals affected with ARSG-related conditions. For these reasons, this variant has been classified as Pathogenic.

Literature cited by the submitters: PubMed 26975023; PubMed 34223797.